The following is an entry in ClinVar:

ClinVar aggregate classification (germline): Uncertain significance. Review status: criteria provided, single submitter (1 of 4 stars). 2 submissions from 2 submitters: Uncertain significance (1). 1 of the submissions does not count toward it. Last evaluated 2023-12-07.

Conditions:
RASopathy. Also called: rasopathies; Noonan spectrum disorder. Identifiers: Orphanet 536391, MedGen C5555857, MONDO:0021060.

Allele frequency attached by ClinVar (database versions not stated): gnomAD exomes below 0.00001; ExAC 0.00002.
gnomAD v4.1: 10 of 1,609,376 alleles (0.00062%); highest among the groups gnomAD compares: East Asian, 0.022%; no homozygotes.

Submissions (2):

Labcorp Genetics (formerly Invitae), Labcorp
Classification: Uncertain significance for RASopathy. Last evaluated: 2023-12-07. Review status: criteria provided, single submitter. Criteria: Invitae Variant Classification Sherloc (09022015). Collection method: clinical testing. Allele origin: germline.
Comment: This sequence change replaces alanine, which is neutral and non-polar, with threonine, which is neutral and polar, at codon 50 of the PTPN11 protein (p.Ala50Thr). This variant is present in population databases (rs587778636, gnomAD 0.01%). This variant has not been reported in the literature in individuals affected with PTPN11-related conditions. ClinVar contains an entry for this variant (Variation ID: 135113). Advanced modeling of protein sequence and biophysical properties (such as structural, functional, and spatial information, amino acid conservation, physicochemical variation, residue mobility, and thermodynamic stability) performed at Invitae indicates that this missense variant is expected to disrupt PTPN11 protein function with a positive predictive value of 95%. In summary, the available evidence is currently insufficient to determine the role of this variant in disease. Therefore, it has been classified as a Variant of Uncertain Significance.

ITMI
No classification provided. Condition: AllHighlyPenetrant. Last evaluated: 2013-09-19. Review status: no classification provided. Collection method: reference population. Allele origin: germline. Not counted in ClinVar's aggregate classification.
Comment: Please see associated publication for description of ethnicities

Literature cited by the submitters: PubMed 24728327 (cited by ITMI).

NM_002834.5(PTPN11):c.148G>A (p.Ala50Thr)

Gene: PTPN11 (protein tyrosine phosphatase non-receptor type 11; plus strand). Cytogenetic location: 12q24.13.
Variant type: single nucleotide variant.
Coding change: c.148G>A on transcript NM_002834.5 (MANE Select); coding-DNA position 148, G replaced by A.
Protein change: p.Ala50Thr; replaces alanine 50 with threonine.
Molecular consequence: missense variant.
Genome position (GRCh38, 1-based): chr12:112,450,328, G>A. VCF-style: chr12-112450328-G-A. GRCh37 (hg19) VCF-style: chr12-112888132-G-A.
Other names: c.148G>A, p.Ala50Thr (NM_001330437.2, NM_080601.3); c.145G>A, p.Ala49Thr (NM_001374625.1); short protein forms A50T, A49T.
Identifiers: ClinVar variation 135113 (VCV000135113.6), dbSNP rs587778636, ClinGen allele CA161779.